The following is an entry in ClinVar:

NM_000478.6(ALPL):c.1310-2A>C

Gene: ALPL (alkaline phosphatase, biomineralization associated; plus strand). Cytogenetic location: 1p36.12.
Variant type: single nucleotide variant.
Coding change: c.1310-2A>C on transcript NM_000478.6 (MANE Select); the canonical splice acceptor site of the intron before coding-DNA position 1310, A replaced by C.
Molecular consequence: splice acceptor variant.
Genome position (GRCh38, 1-based): chr1:21,577,381, A>C. VCF-style: chr1-21577381-A-C. GRCh37 (hg19) VCF-style: chr1-21903874-A-C.
Other names: c.1310-2A>C (NM_001369805.2, NM_001369804.2, NM_001369803.2); c.1145-2A>C (NM_001127501.4); c.1079-2A>C (NM_001177520.3).
Identifiers: ClinVar variation 2707492 (VCV002707492.3), dbSNP rs2545350051, ClinGen allele CA338881922.

ClinVar aggregate classification (germline): Uncertain significance (1 of 4 stars; one submission).

Submission:

Labcorp Genetics (formerly Invitae), Labcorp
Classification: Uncertain significance. Last evaluated: 2024-01-04. Review status: criteria provided, single submitter. Criteria: Invitae Variant Classification Sherloc (09022015). Collection method: clinical testing. Allele origin: germline.
Comment: This sequence change affects an acceptor splice site in intron 11 of the ALPL gene. While this variant is not anticipated to result in nonsense mediated decay, it likely alters RNA splicing and results in a disrupted protein product. This variant is not present in population databases (gnomAD no frequency). This variant has not been reported in the literature in individuals affected with ALPL-related conditions. Variants that disrupt the consensus splice site are a relatively common cause of aberrant splicing (PMID: 17576681, 9536098). Algorithms developed to predict the effect of sequence changes on RNA splicing suggest that this variant may disrupt the consensus splice site. In summary, the available evidence is currently insufficient to determine the role of this variant in disease. Therefore, it has been classified as a Variant of Uncertain Significance.

Literature cited by the submitters: PubMed 17576681; PubMed 9536098.